The following is an entry in ClinVar:

NM_005157.6(ABL1):c.3079A>G (p.Ile1027Val)

Gene: ABL1 (ABL proto-oncogene 1, non-receptor tyrosine kinase; plus strand). Cytogenetic location: 9q34.12.
Variant type: single nucleotide variant.
Coding change: c.3079A>G on transcript NM_005157.6 (MANE Select); coding-DNA position 3079, A replaced by G.
Protein change: p.Ile1027Val; replaces isoleucine 1027 with valine.
Molecular consequence: missense variant.
Genome position (GRCh38, 1-based): chr9:130,885,369, A>G. VCF-style: chr9-130885369-A-G. GRCh37 (hg19) VCF-style: chr9-133760756-A-G.
Other names: c.3136A>G, p.Ile1046Val (NM_007313.3); short protein forms I1027V, I1046V.
Identifiers: ClinVar variation 2659615 (VCV002659615.24), dbSNP rs1831557616, ClinGen allele CA375261040.

ClinVar aggregate classification (germline): Uncertain significance (1 of 4 stars; one submission).

Allele frequency attached by ClinVar (database versions not stated): gnomAD exomes below 0.00001; TOPMed below 0.00001.
gnomAD v4.1: 2 of 1,613,646 alleles (0.00012%); highest among the groups gnomAD compares: Non-Finnish European, 0.00017%; no homozygotes.

Submission:

CeGaT Center for Human Genetics Tuebingen
Classification: Uncertain significance. Last evaluated: 2022-04-01. Review status: criteria provided, single submitter. Criteria: CeGaT Center For Human Genetics Tuebingen Variant Classification Criteria Version 2. Collection method: clinical testing. Allele origin: germline. Affected: yes. Observed: 1 variant allele.
Comment: ABL1: PM2, BP4